The following is an entry in ClinVar:

ClinVar aggregate classification (germline): Uncertain significance. Review status: criteria provided, multiple submitters, no conflicts (2 of 4 stars). 2 submissions from 2 submitters: Uncertain significance (2). Last evaluated 2023-06-21.

Conditions:
Inborn genetic diseases. Identifiers: MedGen C0950123, MeSH D030342.

Allele frequency attached by ClinVar (database versions not stated): ESP Exome Variant Server 0.00015; gnomAD 0.00032; TOPMed 0.00034; gnomAD exomes 0.00041; ExAC 0.00048.

Submissions (2):

Ambry Genetics
Classification: Uncertain significance for Inborn genetic diseases. Last evaluated: 2023-06-21. Review status: criteria provided, single submitter. Criteria: Ambry Variant Classification Scheme 2023. Collection method: clinical testing. Allele origin: germline.

Labcorp Genetics (formerly Invitae), Labcorp
Classification: Uncertain significance. Last evaluated: 2022-10-17. Review status: criteria provided, single submitter. Criteria: Invitae Variant Classification Sherloc (09022015). Collection method: clinical testing. Allele origin: germline.
Comment: This sequence change replaces valine, which is neutral and non-polar, with methionine, which is neutral and non-polar, at codon 156 of the MIPEP protein (p.Val156Met). This variant is present in population databases (rs202152677, gnomAD 0.06%). This variant has not been reported in the literature in individuals affected with MIPEP-related conditions. Algorithms developed to predict the effect of missense changes on protein structure and function (SIFT, PolyPhen-2, Align-GVGD) all suggest that this variant is likely to be tolerated. In summary, the available evidence is currently insufficient to determine the role of this variant in disease. Therefore, it has been classified as a Variant of Uncertain Significance.

NM_005932.4(MIPEP):c.466G>A (p.Val156Met)

Gene: MIPEP (mitochondrial intermediate peptidase; minus strand). Cytogenetic location: 13q12.12.
Variant type: single nucleotide variant.
Coding change: c.466G>A on transcript NM_005932.4 (MANE Select); coding-DNA position 466, G replaced by A.
Protein change: p.Val156Met; replaces valine 156 with methionine.
Molecular consequence: missense variant.
Genome position (GRCh38, 1-based): chr13:23,879,341, C>T on the plus strand (G>A on the coding strand, the complement: MIPEP is on the minus strand). VCF-style: chr13-23879341-C-T. GRCh37 (hg19) VCF-style: chr13-24453480-C-T.
Other names: c.466G>A (NM_005932.3); short protein forms V156M.
Identifiers: ClinVar variation 2051284 (VCV002051284.3), dbSNP rs202152677, ClinGen allele CA6913322.